The following is an entry in ClinVar:

NM_006164.5(NFE2L2):c.700T>A (p.Ser234Thr)

Gene: NFE2L2 (NFE2 like bZIP transcription factor 2; minus strand). Cytogenetic location: 2q31.2.
Variant type: single nucleotide variant.
Coding change: c.700T>A on transcript NM_006164.5 (MANE Select); coding-DNA position 700, T replaced by A.
Protein change: p.Ser234Thr; replaces serine 234 with threonine.
Molecular consequence: missense variant.
Genome position (GRCh38, 1-based): chr2:177,231,903, A>T on the plus strand (T>A on the coding strand, the complement: NFE2L2 is on the minus strand). VCF-style: chr2-177231903-A-T. GRCh37 (hg19) VCF-style: chr2-178096631-A-T.
Other names: c.631T>A, p.Ser211Thr (NM_001145413.3); c.652T>A, p.Ser218Thr (NM_001313900.1, NM_001313901.1, NM_001145412.3); c.610T>A, p.Ser204Thr (NM_001313902.2); c.481T>A, p.Ser161Thr (NM_001313903.2); c.400T>A, p.Ser134Thr (NM_001313904.1); short protein forms S161T, S204T, S218T, S134T, S211T, S234T.
Identifiers: ClinVar variation 1491120 (VCV001491120.6), dbSNP rs778786297, ClinGen allele CA1979809.
Genomic context (GRCh38, chr2:177,231,903, plus strand): 5'-AGGAATCCTCAAAAGCATTAAGAAAATGTGGACTACAGTTACCTACTTCTTTTTCCATTG[A>T]GGGTATAGATGAGTAAAAATGATAATTGTCAACTTCTGTCAGTTTGGCTTCTGGACTTGG-3'
Protein context (NP_006155.2, residues 224-244): DNYHFYSSIP[Ser234Thr]MEKEVGNCSP

ClinVar aggregate classification (germline): Uncertain significance (1 of 4 stars; one submission).

Allele frequency attached by ClinVar (database versions not stated): gnomAD exomes below 0.00001; ExAC 0.00001; gnomAD 0.00001; TOPMed 0.00002.
gnomAD v4.1: 7 of 1,614,046 alleles (0.00043%); highest among the groups gnomAD compares: African/African-American, 0.0013%; no homozygotes.

Submission:

Labcorp Genetics (formerly Invitae), Labcorp
Classification: Uncertain significance. Last evaluated: 2023-02-08. Review status: criteria provided, single submitter. Criteria: Invitae Variant Classification Sherloc (09022015). Collection method: clinical testing. Allele origin: germline.
Comment: In summary, the available evidence is currently insufficient to determine the role of this variant in disease. Therefore, it has been classified as a Variant of Uncertain Significance. Advanced modeling of protein sequence and biophysical properties (such as structural, functional, and spatial information, amino acid conservation, physicochemical variation, residue mobility, and thermodynamic stability) performed at Invitae indicates that this missense variant is not expected to disrupt NFE2L2 protein function. ClinVar contains an entry for this variant (Variation ID: 1491120). This variant has not been reported in the literature in individuals affected with NFE2L2-related conditions. This variant is present in population databases (rs778786297, gnomAD 0.0009%). This sequence change replaces serine, which is neutral and polar, with threonine, which is neutral and polar, at codon 234 of the NFE2L2 protein (p.Ser234Thr).